The following is an entry in ClinVar:

NM_031471.6(FERMT3):c.130G>A (p.Gly44Arg)

Gene: FERMT3 (FERM domain containing kindlin 3; plus strand). Cytogenetic location: 11q13.1.
Variant type: single nucleotide variant.
Coding change: c.130G>A on transcript NM_031471.6 (MANE Select); coding-DNA position 130, G replaced by A.
Protein change: p.Gly44Arg; replaces glycine 44 with arginine.
Molecular consequence: missense variant.
Genome position (GRCh38, 1-based): chr11:64,207,494, G>A. VCF-style: chr11-64207494-G-A. GRCh37 (hg19) VCF-style: chr11-63974966-G-A.
Other names: p.Gly44Arg; c.130G>A, p.Gly44Arg (NM_001382361.1, NM_001382362.1, NM_001382448.1 and 1 more transcripts); short protein forms G44R.
Identifiers: ClinVar variation 195388 (VCV000195388.59), dbSNP rs149000560, ClinGen allele CA201712.

ClinVar aggregate classification (germline): Benign/Likely benign. Review status: criteria provided, multiple submitters, no conflicts (2 of 4 stars). 6 submissions from 6 submitters: Benign (3); Likely benign (3). Last evaluated 2026-09-01.

Conditions:
Leukocyte adhesion deficiency 3. Also called: INTEGRIN ACTIVATION DEFICIENCY DISEASE; LEUKOCYTE ADHESION DEFICIENCY 1 VARIANT; Leukocyte adhesion deficiency, type III. Identifiers: Orphanet 2968, Orphanet 99844, MedGen C2748536, MONDO:0013016, OMIM 612840.

Allele frequency attached by ClinVar (database versions not stated): 1000 Genomes Project 0.00160; 1000 Genomes Project 30x 0.00203; gnomAD 0.00552 and 0.00578; ExAC 0.00578; gnomAD exomes 0.00600 and 0.00784; TOPMed 0.00625; ESP Exome Variant Server 0.00708.

Submissions (6):

CeGaT Center for Human Genetics Tuebingen
Classification: Likely benign. Last evaluated: 2026-09-01. Review status: criteria provided, single submitter. Criteria: CeGaT Center For Human Genetics Tuebingen Variant Classification Criteria Version 2. Collection method: clinical testing. Allele origin: germline. Affected: yes. Observed: 3 variant alleles.
Comment: FERMT3: BS2

Women's Health and Genetics/Laboratory Corporation of America, LabCorp
Classification: Likely benign. Last evaluated: 2026-02-10. Review status: criteria provided, single submitter. Criteria: LabCorp Variant Classification Summary - May 2015. Collection method: clinical testing. Allele origin: germline.
Comment: Variant summary: FERMT3 c.130G>A (p.Gly44Arg) results in a non-conservative amino acid change in the encoded protein sequence. Algorithms developed to predict the effect of missense changes on protein structure and function are either unavailable or do not agree on the potential impact of this missense change. The variant allele was found at a frequency of 0.006 in 250244 control chromosomes in the gnomAD database, including 21 homozygotes. The observed variant frequency exceeds the estimated maximal expected allele frequency for disease-causing variants in FERMT3. c.130G>A has been observed in individuals affected with an inherited bleeding disorder and immunodeficiency, but without strong evidence of causality (e.g., Leinoe_2017, Moens_2014). These reports do not provide unequivocal conclusions about association of the variant with Leukocyte adhesion deficiency 3. The following publications have been ascertained in the context of this evaluation (PMID: 28748566, 25502423). ClinVar contains an entry for this variant (Variation ID: 195388). Based on the evidence outlined above, the variant was classified as likely benign.

Labcorp Genetics (formerly Invitae), Labcorp
Classification: Benign for Leukocyte adhesion deficiency 3. Last evaluated: 2026-02-03. Review status: criteria provided, single submitter. Criteria: Invitae Variant Classification Sherloc (09022015). Collection method: clinical testing. Allele origin: germline.

Genomic Medicine Center of Excellence, King Faisal Specialist Hospital and Research Centre
Classification: Likely benign for Leukocyte adhesion deficiency 3. Last evaluated: 2025-07-30. Review status: criteria provided, single submitter. Criteria: ACMG Guidelines, 2015. Collection method: clinical testing. Allele origin: germline.

Mayo Clinic Laboratories, Mayo Clinic
Classification: Benign. Last evaluated: 2024-03-14. Review status: criteria provided, single submitter. Criteria: ACMG Guidelines, 2015. Collection method: clinical testing. Allele origin: germline. Observed: 6 variant alleles.
Comment: BS1, BS2

Eurofins Ntd Llc (ga)
Classification: Benign. Last evaluated: 2015-05-28. Review status: criteria provided, single submitter. Criteria: EGL Classification Definitions 2015. Collection method: clinical testing. Allele origin: germline. Observed: 1 variant allele, 1 heterozygote.

Literature cited by the submitters: PubMed 28748566 (cited by Women's Health and Genetics/Laboratory Corporation of America, LabCorp); PubMed 25502423 (cited by Women's Health and Genetics/Laboratory Corporation of America, LabCorp).